The following is an entry in ClinVar:

NM_001163809.2(WDR81):c.2055G>A (p.Ala685=)

Gene: WDR81 (WD repeat domain 81; plus strand). Cytogenetic location: 17p13.3.
Variant type: single nucleotide variant.
Coding change: c.2055G>A on transcript NM_001163809.2 (MANE Select); coding-DNA position 2055, G replaced by A.
Protein change: p.Ala685=; no amino-acid change (alanine 685 retained).
Molecular consequence: synonymous variant. On other transcripts: intron variant (3).
Genome position (GRCh38, 1-based): chr17:1,727,014, G>A. VCF-style: chr17-1727014-G-A. GRCh37 (hg19) VCF-style: chr17-1630308-G-A.
Other names: c.-123-976G>A (NM_152348.4); c.59-3366G>A (NM_001163673.2); c.-15+2228G>A (NM_001163811.2).
Identifiers: ClinVar variation 3030095 (VCV003030095.2), dbSNP rs1320621451, ClinGen allele CA497393633.
Genomic context (GRCh38, chr17:1,727,014, plus strand): 5'-TCTGGATTCCATTTCCCTTGCTGGGAAAGCAGGTGACCAGCTGGGCTCCTCCAGTCAAGC[G>A]TCCCCTGGACTTCTCTCTTTCTCAGTGGCCTCAGCCTCCCGTCCAGGCCGCAGGAATAAA-3'
Protein context (NP_001157281.1, residues 675-695): AGDQLGSSSQ[Ala685=]SPGLLSFSVA

ClinVar aggregate classification (germline): Likely benign (0 of 4 stars; one submission).

Conditions:
WDR81-related disorder. Also called: WDR81-related condition.

gnomAD v4.1: 8 of 1,550,368 alleles (0.00052%); highest among the groups gnomAD compares: South Asian, 0.0024%; no homozygotes.

Submission:

PreventionGenetics, part of Exact Sciences
Classification: Likely benign for WDR81-related condition. Last evaluated: 2022-08-08. Review status: no assertion criteria provided. Collection method: clinical testing. Allele origin: germline.
Comment: This variant is classified as likely benign based on ACMG/AMP sequence variant interpretation guidelines (Richards et al. 2015 PMID: 25741868, with internal and published modifications).